The following is an entry in ClinVar:

NM_006393.3(NEBL):c.2373A>C (p.Lys791Asn)

Gene: NEBL (nebulette; minus strand). Cytogenetic location: 10p12.31.
Variant type: single nucleotide variant.
Coding change: c.2373A>C on transcript NM_006393.3 (MANE Select); coding-DNA position 2373, A replaced by C.
Protein change: p.Lys791Asn; replaces lysine 791 with asparagine.
Molecular consequence: missense variant.
Genome position (GRCh38, 1-based): chr10:20,812,914, T>G on the plus strand (A>C on the coding strand, the complement: NEBL is on the minus strand). VCF-style: chr10-20812914-T-G. GRCh37 (hg19) VCF-style: chr10-21101843-T-G.
Other names: c.384A>C, p.Lys128Asn (NM_001173484.2, NM_001377322.1, NM_213569.2); c.336A>C, p.Lys112Asn (NM_001377323.1); c.327A>C, p.Lys109Asn (NM_001377324.1); c.318A>C, p.Lys106Asn (NM_001377325.1); c.276A>C, p.Lys92Asn (NM_001377326.1, NM_001377327.1, NM_001377328.1); short protein forms K109N, K106N, K128N, K791N, K112N, K92N.
Identifiers: ClinVar variation 3715642 (VCV003715642.2).

ClinVar aggregate classification (germline): Uncertain significance (1 of 4 stars; one submission).

Conditions:
Primary dilated cardiomyopathy (DCM). Also called: Dilated Cardiomyopathy. Identifiers: Orphanet 217604, MedGen C0007193, MeSH D002311, MONDO:0005021, HP:0001644. Inheritance: Various modes of inheritance.

gnomAD v4.1: 4 of 1,613,772 alleles (0.00025%); highest among the groups gnomAD compares: African/African-American, 0.0013%; no homozygotes.

Submission:

Labcorp Genetics (formerly Invitae), Labcorp
Classification: Uncertain significance for Primary dilated cardiomyopathy. Last evaluated: 2024-07-21. Review status: criteria provided, single submitter. Criteria: Invitae Variant Classification Sherloc (09022015). Collection method: clinical testing. Allele origin: germline.
Comment: This sequence change replaces lysine, which is basic and polar, with asparagine, which is neutral and polar, at codon 791 of the NEBL protein (p.Lys791Asn). This variant is not present in population databases (gnomAD no frequency). This variant has not been reported in the literature in individuals affected with NEBL-related conditions. An algorithm developed to predict the effect of missense changes on protein structure and function (PolyPhen-2) suggests that this variant is likely to be disruptive. In summary, the available evidence is currently insufficient to determine the role of this variant in disease. Therefore, it has been classified as a Variant of Uncertain Significance.